The following is an entry in ClinVar:

NM_152743.4(BRAT1):c.16G>A (p.Ala6Thr)

Gene: BRAT1 (BRCA1 associated ATM activator 1; minus strand). Cytogenetic location: 7p22.3.
Variant type: single nucleotide variant.
Coding change: c.16G>A on transcript NM_152743.4 (MANE Select); coding-DNA position 16, G replaced by A.
Protein change: p.Ala6Thr; replaces alanine 6 with threonine.
Molecular consequence: missense variant. On other transcripts: 5 prime UTR variant (1), non-coding transcript variant (1).
Genome position (GRCh38, 1-based): chr7:2,554,416, C>T on the plus strand (G>A on the coding strand, the complement: BRAT1 is on the minus strand). VCF-style: chr7-2554416-C-T. GRCh37 (hg19) VCF-style: chr7-2594050-C-T.
Other names: c.16G>A, p.Ala6Thr (NM_001350626.2); c.-362G>A (NM_001350627.2); short protein forms A6T.
Identifiers: ClinVar variation 1419005 (VCV001419005.8), dbSNP rs1415690501, ClinGen allele CA366633624.

ClinVar aggregate classification (germline): Uncertain significance (1 of 4 stars; one submission).

Conditions:
Neonatal-onset encephalopathy with rigidity and seizures. Also called: Lethal neonatal spasticity-epileptic encephalopathy syndrome. Identifiers: Orphanet 435845, MedGen C3281029, MONDO:0013784, OMIM 614498.

gnomAD v4.1: 8 of 1,613,572 alleles (0.0005%); highest among the groups gnomAD compares: Non-Finnish European, 0.00068%; no homozygotes.

Submission:

Labcorp Genetics (formerly Invitae), Labcorp
Classification: Uncertain significance for Neonatal-onset encephalopathy with rigidity and seizures. Last evaluated: 2021-05-28. Review status: criteria provided, single submitter. Criteria: Invitae Variant Classification Sherloc (09022015). Collection method: clinical testing. Allele origin: germline.
Comment: In summary, the available evidence is currently insufficient to determine the role of this variant in disease. Therefore, it has been classified as a Variant of Uncertain Significance. Algorithms developed to predict the effect of missense changes on protein structure and function are either unavailable or do not agree on the potential impact of this missense change (SIFT: "Deleterious"; PolyPhen-2: "Benign"; Align-GVGD: "Class C0"). This variant has not been reported in the literature in individuals with BRAT1-related conditions. This variant is not present in population databases (ExAC no frequency). This sequence change replaces alanine with threonine at codon 6 of the BRAT1 protein (p.Ala6Thr). The alanine residue is moderately conserved and there is a small physicochemical difference between alanine and threonine.